The following is an entry in ClinVar:

ClinVar aggregate classification (germline): Uncertain significance (1 of 4 stars; one submission).

Conditions:
KYPHOMELIC DYSPLASIA, ITAI-IKEGAWA TYPE (KDII). Identifiers: MedGen CN382186, OMIM 621644.

Submission:

Institute of Human Genetics, University of Leipzig Medical Center
Classification: Uncertain significance for KYPHOMELIC DYSPLASIA, ITAI-IKEGAWA TYPE. Last evaluated: 2026-08-19. Review status: criteria provided, single submitter. Criteria: ACMG Guidelines, 2015. Collection method: clinical testing. Allele origin: unknown. Inheritance: Autosomal dominant inheritance. Affected: yes.
Comment: Criteria applied: PM2,PP2,PP3

NM_004521.3(KIF5B):c.775T>C (p.Ser259Pro)

Gene: KIF5B (kinesin family member 5B; minus strand). Cytogenetic location: 10p11.22.
Variant type: single nucleotide variant.
Coding change: c.775T>C on transcript NM_004521.3 (MANE Select); coding-DNA position 775, T replaced by C.
Protein change: p.Ser259Pro; replaces serine 259 with proline.
Molecular consequence: missense variant.
Genome position (GRCh38, 1-based): chr10:32,035,931, A>G on the plus strand (T>C on the coding strand, the complement: KIF5B is on the minus strand). VCF-style: chr10-32035931-A-G. GRCh37 (hg19) VCF-style: chr10-32324859-A-G.
Other names: short protein forms S259P.
Identifiers: ClinVar variation 4890745 (VCV004890745.1).